The following is an entry in ClinVar:

NM_015425.6(POLR1A):c.1078A>G (p.Thr360Ala)

Gene: POLR1A (RNA polymerase I subunit A; minus strand). Cytogenetic location: 2p11.2.
Variant type: single nucleotide variant.
Coding change: c.1078A>G on transcript NM_015425.6 (MANE Select); coding-DNA position 1078, A replaced by G.
Protein change: p.Thr360Ala; replaces threonine 360 with alanine.
Molecular consequence: missense variant.
Genome position (GRCh38, 1-based): chr2:86,080,824, T>C on the plus strand (A>G on the coding strand, the complement: POLR1A is on the minus strand). VCF-style: chr2-86080824-T-C. GRCh37 (hg19) VCF-style: chr2-86307947-T-C.
Other names: short protein forms T360A.
Identifiers: ClinVar variation 1985407 (VCV001985407.4), dbSNP rs1208129620, ClinGen allele CA347553102.

ClinVar aggregate classification (germline): Uncertain significance (1 of 4 stars; one submission).

Allele frequency attached by ClinVar (database versions not stated): gnomAD exomes below 0.00001; TOPMed below 0.00001.
gnomAD v4.1: 4 of 1,611,586 alleles (0.00025%); highest among the groups gnomAD compares: Admixed American, 0.0033%; no homozygotes.

Submission:

Labcorp Genetics (formerly Invitae), Labcorp
Classification: Uncertain significance. Last evaluated: 2026-02-02. Review status: criteria provided, single submitter. Criteria: Invitae Variant Classification Sherloc (09022015). Collection method: clinical testing. Allele origin: germline.
Comment: This sequence change replaces threonine, which is neutral and polar, with alanine, which is neutral and non-polar, at codon 360 of the POLR1A protein (p.Thr360Ala). This variant is present in population databases (no rsID available, gnomAD 0.003%). This variant has not been reported in the literature in individuals affected with POLR1A-related conditions. ClinVar contains an entry for this variant (Variation ID: 1985407). An algorithm developed to predict the effect of missense changes on protein structure and function outputs the following: PolyPhen-2: "Benign". The alanine amino acid residue is found in multiple mammalian species, which suggests that this missense change does not adversely affect protein function. In summary, the available evidence is currently insufficient to determine the role of this variant in disease. Therefore, it has been classified as a Variant of Uncertain Significance.